The following is an entry in ClinVar:

ClinVar aggregate classification (germline): Pathogenic (1 of 4 stars; one submission).

Submission:

ISCA site 4
Classification: Pathogenic. Last evaluated: 2011-08-12. Review status: criteria provided, single submitter. Criteria: Kaminsky et al. (Genet Med. 2011). Collection method: clinical testing. Allele origin: unknown. Affected: yes. Observed: 1 variant allele.
Comment: Copy number variation identified through the course of routine clinical cytogenomic testing in postnatal populations. Clinical assertions have been curated as described in Kaminsky et al. 2011.

GRCh38/hg38 Yp11.2(chrY:2786811-9007152)x2

Genes: AMELY (amelogenin Y-linked; minus strand), FAM197Y9 (family with sequence similarity 197 Y-linked member 9; minus strand), LINC00278 (long intergenic non-protein coding RNA 278; plus strand), LINC00279 (long intergenic non-protein coding RNA 279; plus strand), LINC00280 (long intergenic non-protein coding RNA 280; minus strand) and 23 more. Cytogenetic location: Yp11.2.
Variant type: copy number gain.
Change: copy number 2 of chrY:2,786,811-9,007,152 (6.22 Mb, GRCh38 coordinates, 1-based), cytogenetic band Yp11.2.
Identifiers: ClinVar variation 57321 (VCV000057321.1).